The following is an entry in ClinVar:

ClinVar aggregate classification (germline): Uncertain significance (1 of 4 stars; one submission).

Conditions:
Capillary malformation-arteriovenous malformation syndrome. Also called: Capillary malformation-arteriovenous malformation. Identifiers: Orphanet 137667, MedGen C1842180, MONDO:0012016.

Allele frequency attached by ClinVar (database versions not stated): gnomAD exomes below 0.00001; TOPMed 0.00001; ExAC 0.00003.

Submission:

Labcorp Genetics (formerly Invitae), Labcorp
Classification: Uncertain significance for Capillary malformation-arteriovenous malformation syndrome. Last evaluated: 2024-07-03. Review status: criteria provided, single submitter. Criteria: Invitae Variant Classification Sherloc (09022015). Collection method: clinical testing. Allele origin: germline.
Comment: This sequence change replaces threonine, which is neutral and polar, with isoleucine, which is neutral and non-polar, at codon 91 of the RASA1 protein (p.Thr91Ile). This variant is present in population databases (rs754769156, gnomAD 0.009%). This variant has not been reported in the literature in individuals affected with RASA1-related conditions. ClinVar contains an entry for this variant (Variation ID: 2094369). An algorithm developed to predict the effect of missense changes on protein structure and function (PolyPhen-2) suggests that this variant is likely to be disruptive. In summary, the available evidence is currently insufficient to determine the role of this variant in disease. Therefore, it has been classified as a Variant of Uncertain Significance.

NM_002890.3(RASA1):c.272C>T (p.Thr91Ile)

Gene: RASA1 (RAS p21 protein activator 1; plus strand). Cytogenetic location: 5q14.3.
Variant type: single nucleotide variant.
Coding change: c.272C>T on transcript NM_002890.3 (MANE Select); coding-DNA position 272, C replaced by T.
Protein change: p.Thr91Ile; replaces threonine 91 with isoleucine.
Molecular consequence: missense variant.
Genome position (GRCh38, 1-based): chr5:87,268,723, C>T. VCF-style: chr5-87268723-C-T. GRCh37 (hg19) VCF-style: chr5-86564540-C-T.
Other names: short protein forms T91I.
Identifiers: ClinVar variation 2094369 (VCV002094369.4), dbSNP rs754769156, ClinGen allele CA3335383.